The following is an entry in ClinVar:

NM_000245.4(MET):c.292T>C (p.Cys98Arg)

Gene: MET (MET proto-oncogene, receptor tyrosine kinase; plus strand). Cytogenetic location: 7q31.2.
Variant type: single nucleotide variant.
Coding change: c.292T>C on transcript NM_000245.4 (MANE Select); coding-DNA position 292, T replaced by C.
Protein change: p.Cys98Arg; replaces cysteine 98 with arginine.
Molecular consequence: missense variant. On other transcripts: intron variant (1).
Genome position (GRCh38, 1-based): chr7:116,699,376, T>C. VCF-style: chr7-116699376-T-C. GRCh37 (hg19) VCF-style: chr7-116339430-T-C.
Other names: c.292T>C (NM_001127500.1); c.292T>C, p.Cys98Arg (NM_001127500.3, NM_001324401.3); c.-91+26799T>C (NM_001324402.2); short protein forms C98R.
Identifiers: ClinVar variation 1039553 (VCV001039553.11), dbSNP rs1791473262, ClinGen allele CA368968750.

ClinVar aggregate classification (germline): Uncertain significance. Review status: criteria provided, multiple submitters, no conflicts (2 of 4 stars). 2 submissions from 2 submitters: Uncertain significance (2). Last evaluated 2025-11-17.

Conditions:
Renal cell carcinoma. Identifiers: Orphanet 217071, MedGen C0007134, MeSH D002292, MONDO:0005086, HP:0005584.
Hereditary cancer-predisposing syndrome. Also called: Neoplastic Syndromes, Hereditary; Hereditary Cancer Syndrome; Tumor predisposition; Hereditary neoplastic syndrome. Identifiers: Orphanet 140162, MedGen C0027672, MeSH D009386, MONDO:0015356.

Allele frequency attached by ClinVar (database versions not stated): gnomAD exomes 0.00001.
gnomAD v4.1: 13 of 1,614,054 alleles (0.00081%); highest among the groups gnomAD compares: Non-Finnish European, 0.0011%; no homozygotes.

Submissions (2):

Labcorp Genetics (formerly Invitae), Labcorp
Classification: Uncertain significance for Renal cell carcinoma. Last evaluated: 2025-11-17. Review status: criteria provided, single submitter. Criteria: Invitae Variant Classification Sherloc (09022015). Collection method: clinical testing. Allele origin: germline.
Comment: This sequence change replaces cysteine, which is neutral and slightly polar, with arginine, which is basic and polar, at codon 98 of the MET protein (p.Cys98Arg). This variant is not present in population databases (gnomAD no frequency). This variant has not been reported in the literature in individuals affected with MET-related conditions. ClinVar contains an entry for this variant (Variation ID: 1039553). Invitae Evidence Modeling of protein sequence and biophysical properties (such as structural, functional, and spatial information, amino acid conservation, physicochemical variation, residue mobility, and thermodynamic stability) indicates that this missense variant is expected to disrupt MET protein function with a positive predictive value of 80%. In summary, the available evidence is currently insufficient to determine the role of this variant in disease. Therefore, it has been classified as a Variant of Uncertain Significance.

Ambry Genetics
Classification: Uncertain significance for Hereditary cancer-predisposing syndrome. Last evaluated: 2023-09-25. Review status: criteria provided, single submitter. Criteria: Ambry Variant Classification Scheme 2023. Collection method: clinical testing. Allele origin: germline.
Comment: The p.C98R variant (also known as c.292T>C), located in coding exon 1 of the MET gene, results from a T to C substitution at nucleotide position 292. The cysteine at codon 98 is replaced by arginine, an amino acid with highly dissimilar properties. This amino acid position is conserved. In addition, the in silico prediction for this alteration is inconclusive. Since supporting evidence is limited at this time, the clinical significance of this alteration remains unclear.